The following is an entry in ClinVar:

NM_002582.4(PARN):c.665C>G (p.Pro222Arg)

Gene: PARN (poly(A)-specific ribonuclease; minus strand). Cytogenetic location: 16p13.12.
Variant type: single nucleotide variant.
Coding change: c.665C>G on transcript NM_002582.4 (MANE Select); coding-DNA position 665, C replaced by G.
Protein change: p.Pro222Arg; replaces proline 222 with arginine.
Molecular consequence: missense variant.
Genome position (GRCh38, 1-based): chr16:14,606,521, G>C on the plus strand (C>G on the coding strand, the complement: PARN is on the minus strand). VCF-style: chr16-14606521-G-C. GRCh37 (hg19) VCF-style: chr16-14700378-G-C.
Other names: c.482C>G, p.Pro161Arg (NM_001134477.3); c.527C>G, p.Pro176Arg (NM_001242992.2); short protein forms P161R, P176R, P222R.
Identifiers: ClinVar variation 858476 (VCV000858476.10), dbSNP rs770353163, ClinGen allele CA394808343.

ClinVar aggregate classification (germline): Uncertain significance (1 of 4 stars; one submission).

Conditions:
Dyskeratosis congenita, autosomal recessive 6 (DKCB6). Identifiers: MedGen C4225356, MONDO:0014600, OMIM 616353.
Pulmonary fibrosis and/or bone marrow failure, Telomere-related, 4. Also called: PULMONARY FIBROSIS AND/OR BONE MARROW FAILURE SYNDROME, TELOMERE-RELATED, 4. Identifiers: Orphanet 2032, MedGen C4225347, MONDO:0014612, OMIM 616371.

Submission:

Labcorp Genetics (formerly Invitae), Labcorp
Classification: Uncertain significance for Dyskeratosis congenita, autosomal recessive 6; Pulmonary fibrosis and/or bone marrow failure, Telomere-related, 4. Last evaluated: 2024-11-05. Review status: criteria provided, single submitter. Criteria: Invitae Variant Classification Sherloc (09022015). Collection method: clinical testing. Allele origin: germline.
Comment: This sequence change replaces proline, which is neutral and non-polar, with arginine, which is basic and polar, at codon 222 of the PARN protein (p.Pro222Arg). This variant is not present in population databases (gnomAD no frequency). This variant has not been reported in the literature in individuals affected with PARN-related conditions. ClinVar contains an entry for this variant (Variation ID: 858476). Invitae Evidence Modeling of protein sequence and biophysical properties (such as structural, functional, and spatial information, amino acid conservation, physicochemical variation, residue mobility, and thermodynamic stability) indicates that this missense variant is not expected to disrupt PARN protein function with a negative predictive value of 80%. In summary, the available evidence is currently insufficient to determine the role of this variant in disease. Therefore, it has been classified as a Variant of Uncertain Significance.